The following is an entry in ClinVar:

ClinVar aggregate classification (germline): Uncertain significance (1 of 4 stars; one submission).

Conditions:
Combined immunodeficiency with skin granulomas. Identifiers: Orphanet 157949, MedGen C2673536, MONDO:0009306, OMIM 233650.
Severe combined immunodeficiency, autosomal recessive, T cell-negative, B cell-negative, NK cell-positive. Also called: SCID, T CELL-NEGATIVE, B CELL-NEGATIVE, NK CELL-POSITIVE; Severe combined immunodeficiency due to complete RAG1/2 deficiency; SCID, AR, T-cell negative, B-cell negative, NK cell-positive. Identifiers: Orphanet 331206, MedGen C1832322, MONDO:0011086, OMIM 601457.

Allele frequency attached by ClinVar (database versions not stated): gnomAD exomes below 0.00001.
gnomAD v4.1: 1 of 1,614,084 alleles (0.000062%); highest among the groups gnomAD compares: African/African-American, 0.0013%; no homozygotes.

Submission:

Labcorp Genetics (formerly Invitae), Labcorp
Classification: Uncertain significance for Combined immunodeficiency with skin granulomas; Severe combined immunodeficiency, autosomal recessive, T cell-negative, B cell-negative, NK cell-positive. Last evaluated: 2025-10-06. Review status: criteria provided, single submitter. Criteria: Invitae Variant Classification Sherloc (09022015). Collection method: clinical testing. Allele origin: germline.
Comment: This sequence change replaces methionine, which is neutral and non-polar, with threonine, which is neutral and polar, at codon 22 of the RAG2 protein (p.Met22Thr). This variant is not present in population databases (gnomAD no frequency). This variant has not been reported in the literature in individuals affected with RAG2-related conditions. ClinVar contains an entry for this variant (Variation ID: 2933731). Invitae Evidence Modeling of protein sequence and biophysical properties (such as structural, functional, and spatial information, amino acid conservation, physicochemical variation, residue mobility, and thermodynamic stability) has been performed for this missense variant. However, the output from this modeling did not meet the statistical confidence thresholds required to predict the impact of this variant on RAG2 protein function. In summary, the available evidence is currently insufficient to determine the role of this variant in disease. Therefore, it has been classified as a Variant of Uncertain Significance.

NM_000536.4(RAG2):c.65T>C (p.Met22Thr)

Gene: RAG2 (recombination activating 2; minus strand). Cytogenetic location: 11p12.
Variant type: single nucleotide variant.
Coding change: c.65T>C on transcript NM_000536.4 (MANE Select); coding-DNA position 65, T replaced by C.
Protein change: p.Met22Thr; replaces methionine 22 with threonine.
Molecular consequence: missense variant.
Genome position (GRCh38, 1-based): chr11:36,594,104, A>G on the plus strand (T>C on the coding strand, the complement: RAG2 is on the minus strand). VCF-style: chr11-36594104-A-G. GRCh37 (hg19) VCF-style: chr11-36615654-A-G.
Other names: c.65T>C, p.Met22Thr (NM_001243785.2, NM_001243786.2); short protein forms M22T.
Identifiers: ClinVar variation 2933731 (VCV002933731.3), dbSNP rs1851106331, ClinGen allele CA380144877.